The following is an entry in ClinVar:

NM_032620.4(GTPBP3):c.1163C>A (p.Pro388His)

Gene: GTPBP3 (GTP binding protein 3, mitochondrial; plus strand). Cytogenetic location: 19p13.11.
Variant type: single nucleotide variant.
Coding change: c.1163C>A on transcript NM_032620.4 (MANE Select); coding-DNA position 1163, C replaced by A.
Protein change: p.Pro388His; replaces proline 388 with histidine.
Molecular consequence: missense variant.
Genome position (GRCh38, 1-based): chr19:17,341,232, C>A. VCF-style: chr19-17341232-C-A. GRCh37 (hg19) VCF-style: chr19-17452041-C-A.
Other names: c.1100C>A, p.Pro367His (NM_001128855.3); c.1229C>A, p.Pro410His (NM_001195422.1); c.1259C>A, p.Pro420His (NM_133644.4); short protein forms P420H, P367H, P388H, P410H.
Identifiers: ClinVar variation 1362127 (VCV001362127.8), dbSNP rs1371652885, ClinGen allele CA404738928.
Genomic context (GRCh38, chr19:17,341,232, plus strand): 5'-GCCTCCTCCTGGTGCTGAACAAGTCGGACCTGCTGTCCCCGGAGGGCCCAGGTCCCGGTC[C>A]TGACCTGCCCCCGCACCTGCTGCTGTCCTGTCTGACGGGAGAGGGGCTGGACGGCCTCCT-3'
Protein context (NP_116009.2, residues 378-398): LLSPEGPGPG[Pro388His]DLPPHLLLSC

ClinVar aggregate classification (germline): Uncertain significance (1 of 4 stars; one submission).

Submission:

Labcorp Genetics (formerly Invitae), Labcorp
Classification: Uncertain significance. Last evaluated: 2021-06-18. Review status: criteria provided, single submitter. Criteria: Invitae Variant Classification Sherloc (09022015). Collection method: clinical testing. Allele origin: germline.
Comment: In summary, the available evidence is currently insufficient to determine the role of this variant in disease. Therefore, it has been classified as a Variant of Uncertain Significance. Algorithms developed to predict the effect of missense changes on protein structure and function are either unavailable or do not agree on the potential impact of this missense change (SIFT: "Tolerated"; PolyPhen-2: "Possibly Damaging"; Align-GVGD: "Class C0"). This variant has not been reported in the literature in individuals with GTPBP3-related conditions. This variant is not present in population databases (ExAC no frequency). This sequence change replaces proline with histidine at codon 420 of the GTPBP3 protein (p.Pro420His). The proline residue is moderately conserved and there is a moderate physicochemical difference between proline and histidine.